The following is an entry in ClinVar:

ClinVar aggregate classification (germline): Uncertain significance (1 of 4 stars; one submission).

Conditions:
Inborn genetic diseases. Identifiers: MedGen C0950123, MeSH D030342.

Submission:

Ambry Genetics
Classification: Uncertain significance for Inborn genetic diseases. Last evaluated: 2020-02-19. Review status: criteria provided, single submitter. Criteria: Ambry Variant Classification Scheme 2023. Collection method: clinical testing. Allele origin: germline.
Comment: The p.G52C variant (also known as c.154G>T), located in coding exon 1 of the INF2 gene, results from a G to T substitution at nucleotide position 154. The glycine at codon 52 is replaced by cysteine, an amino acid with highly dissimilar properties. This amino acid position is highly conserved in available vertebrate species. In addition, this alteration is predicted to be deleterious by in silico analysis. Since supporting evidence is limited at this time, the clinical significance of this alteration remains unclear.

NM_022489.4(INF2):c.154G>T (p.Gly52Cys)

Gene: INF2 (inverted formin 2; plus strand). Cytogenetic location: 14q32.33.
Variant type: single nucleotide variant.
Coding change: c.154G>T on transcript NM_022489.4 (MANE Select); coding-DNA position 154, G replaced by T.
Protein change: p.Gly52Cys; replaces glycine 52 with cysteine.
Molecular consequence: missense variant.
Genome position (GRCh38, 1-based): chr14:104,701,519, G>T. VCF-style: chr14-104701519-G-T. GRCh37 (hg19) VCF-style: chr14-105167856-G-T.
Other names: c.154G>T, p.Gly52Cys (NM_001031714.4, NM_032714.3); short protein forms G52C.
Identifiers: ClinVar variation 1775026 (VCV001775026.2), dbSNP rs2504231554, ClinGen allele CA391225149.